The following is an entry in ClinVar:

ClinVar aggregate classification (germline): Uncertain significance (1 of 4 stars; one submission).

Conditions:
Birt-Hogg-Dube syndrome. Also called: Birt Hogg Dubé syndrome. Identifiers: Orphanet 122, MedGen C0346010, MONDO:0800444.

Submission:

Labcorp Genetics (formerly Invitae), Labcorp
Classification: Uncertain significance for Birt-Hogg-Dube syndrome. Last evaluated: 2019-10-13. Review status: criteria provided, single submitter. Criteria: Invitae Variant Classification Sherloc (09022015). Collection method: clinical testing. Allele origin: germline.
Comment: Algorithms developed to predict the effect of missense changes on protein structure and function output the following: SIFT: "Tolerated"; PolyPhen-2: "Benign"; Align-GVGD: "Class C0". The alanine amino acid residue is found in multiple mammalian species, suggesting that this missense change does not adversely affect protein function. These predictions have not been confirmed by published functional studies and their clinical significance is uncertain. This variant has not been reported in the literature in individuals with FLCN-related conditions. This variant is not present in population databases (ExAC no frequency). This sequence change replaces glycine with alanine at codon 334 of the FLCN protein (p.Gly334Ala). The glycine residue is weakly conserved and there is a small physicochemical difference between glycine and alanine. In summary, the available evidence is currently insufficient to determine the role of this variant in disease. Therefore, it has been classified as a Variant of Uncertain Significance.

NM_144997.7(FLCN):c.1001G>C (p.Gly334Ala)

Gene: FLCN (folliculin; minus strand). Cytogenetic location: 17p11.2.
Variant type: single nucleotide variant.
Coding change: c.1001G>C on transcript NM_144997.7 (MANE Select); coding-DNA position 1001, G replaced by C.
Protein change: p.Gly334Ala; replaces glycine 334 with alanine.
Molecular consequence: missense variant.
Genome position (GRCh38, 1-based): chr17:17,219,080, C>G on the plus strand (G>C on the coding strand, the complement: FLCN is on the minus strand). VCF-style: chr17-17219080-C-G. GRCh37 (hg19) VCF-style: chr17-17122394-C-G.
Other names: c.1055G>C, p.Gly352Ala (NM_001353229.2); c.1001G>C, p.Gly334Ala (NM_001353230.2, NM_001353231.2); short protein forms G352A, G334A.
Identifiers: ClinVar variation 970273 (VCV000970273.7), dbSNP rs2047009922, ClinGen allele CA398532819.
Genomic context (GRCh38, chr17:17,219,080, plus strand): 5'-TGCCTCATGTGCCGGAGGGACTTGAAGACTGGCAGCTTCCGGGGCTGCCAGCTCCCACAG[C>G]CTGAGAGAGAGGAGGACTCTGCCGGGCCCTGGGTCAGCTCCCGCCCTTCTGTACTCTCTG-3'
Protein context (NP_659434.2, residues 324-344): QGPAESSSLS[Gly334Ala]CGSWQPRKLP